The following is an entry in ClinVar:

NM_001278669.2(NFATC1):c.1926G>A (p.Met642Ile)

Gene: NFATC1 (nuclear factor of activated T cells 1; plus strand). Cytogenetic location: 18q23.
Variant type: single nucleotide variant.
Coding change: c.1926G>A on transcript NM_001278669.2 (MANE Select); coding-DNA position 1926, G replaced by A.
Protein change: p.Met642Ile; replaces methionine 642 with isoleucine.
Molecular consequence: missense variant.
Genome position (GRCh38, 1-based): chr18:79,461,333, G>A. VCF-style: chr18-79461333-G-A. GRCh37 (hg19) VCF-style: chr18-77221333-G-A.
Other names: c.1926G>A, p.Met642Ile (NM_001278670.2, NM_006162.5, NM_172390.3); c.1887G>A, p.Met629Ile (NM_001278672.2, NM_001278675.2, NM_172387.3 and 1 more transcripts); c.510G>A, p.Met170Ile (NM_001278673.2, NM_172388.3); short protein forms M642I, M629I, M170I.
Identifiers: ClinVar variation 4704726 (VCV004704726.1).

ClinVar aggregate classification (germline): Uncertain significance (1 of 4 stars; one submission).

gnomAD v4.1: 23 of 1,507,262 alleles (0.0015%); highest among the groups gnomAD compares: Non-Finnish European, 0.0018%; no homozygotes.

Submission:

Labcorp Genetics (formerly Invitae), Labcorp
Classification: Uncertain significance. Last evaluated: 2025-05-07. Review status: criteria provided, single submitter. Criteria: Invitae Variant Classification Sherloc (09022015). Collection method: clinical testing. Allele origin: germline.
Comment: This sequence change replaces methionine, which is neutral and non-polar, with isoleucine, which is neutral and non-polar, at codon 642 of the NFATC1 protein (p.Met642Ile). This variant is not present in population databases (gnomAD no frequency). This variant has not been reported in the literature in individuals affected with NFATC1-related conditions. An algorithm developed to predict the effect of missense changes on protein structure and function (PolyPhen-2) suggests that this variant is likely to be tolerated. In summary, the available evidence is currently insufficient to determine the role of this variant in disease. Therefore, it has been classified as a Variant of Uncertain Significance.